The following is an entry in ClinVar:

NM_001365276.2(TNXB):c.9173C>T (p.Pro3058Leu)

Gene: TNXB (tenascin XB; minus strand). Cytogenetic location: 6p21.33.
Variant type: single nucleotide variant.
Coding change: c.9173C>T on transcript NM_001365276.2 (MANE Select); coding-DNA position 9173, C replaced by T.
Protein change: p.Pro3058Leu; replaces proline 3058 with leucine.
Molecular consequence: missense variant.
Genome position (GRCh38, 1-based): chr6:32,050,264, G>A on the plus strand (C>T on the coding strand, the complement: TNXB is on the minus strand). VCF-style: chr6-32050264-G-A. GRCh37 (hg19) VCF-style: chr6-32018041-G-A.
Other names: c.9167C>T, p.Pro3056Leu (NM_019105.8); short protein forms P3056L, P3058L.
Identifiers: ClinVar variation 1766019 (VCV001766019.3), dbSNP rs374699358, ClinGen allele CA3733606.

ClinVar aggregate classification (germline): Uncertain significance (1 of 4 stars; one submission).

Conditions:
Cardiovascular phenotype. Identifiers: MedGen CN230736.

Allele frequency attached by ClinVar (database versions not stated): ExAC 0.00002; gnomAD 0.00005; ESP Exome Variant Server 0.00013.
gnomAD v4.1: 13 of 1,613,388 alleles (0.00081%); highest among the groups gnomAD compares: African/African-American, 0.017%; no homozygotes.

Submission:

Ambry Genetics
Classification: Uncertain significance for Cardiovascular phenotype. Last evaluated: 2025-06-20. Review status: criteria provided, single submitter. Criteria: Ambry Variant Classification Scheme 2023. Collection method: clinical testing. Allele origin: germline.
Comment: The p.P3056L variant (also known as c.9167C>T), located in coding exon 26 of the TNXB gene, results from a C to T substitution at nucleotide position 9167. The proline at codon 3056 is replaced by leucine, an amino acid with similar properties. This amino acid position is conserved. In addition, this alteration is predicted to be tolerated by in silico analysis. Since supporting evidence is limited at this time, the clinical significance of this alteration remains unclear.